The following is an entry in ClinVar:

NR_003051.4(RMRP):n.195G>A

Gene: RMRP (RNA component of mitochondrial RNA processing endoribonuclease; minus strand). Cytogenetic location: 9p13.3.
Variant type: single nucleotide variant.
Genome position: GRCh38 VCF-style: chr9-35657825-C-T. GRCh37 (hg19) VCF-style: chr9-35657822-C-T.
Other names: 193G-A.
Identifiers: ClinVar variation 928882 (VCV000928882.15), dbSNP rs761398394, ClinGen allele CA5045825.

ClinVar aggregate classification (germline): Likely pathogenic. Review status: reviewed by expert panel (3 of 4 stars). 7 submissions from 7 submitters: Likely pathogenic (1). 6 of the submissions do not count toward it. Last evaluated 2025-10-01.

Conditions:
RMRP-related disorder. Also called: RMRP-related condition.
Anauxetic dysplasia. Identifiers: Orphanet 93347, MedGen C1846796, MONDO:0011773.
Metaphyseal chondrodysplasia, McKusick type (CHH). Also called: Cartilage-Hair Hypoplasia (CHH); Cartilage-hair hypoplasia. Identifiers: Orphanet 175, MedGen C0220748, MONDO:0009595, OMIM 250250.
Anauxetic dysplasia 1 (ANXD1). Also called: Anauxetic Dysplasia (AD). Identifiers: Orphanet 93347, MedGen C4551965, MONDO:0054560, OMIM 607095.
Metaphyseal dysplasia without hypotrichosis. Also called: CARTILAGE-HAIR HYPOPLASIA VARIANT, SKELETAL MANIFESTATIONS ONLY; CARTILAGE-HAIR HYPOPLASIA-LIKE SKELETAL DYSPLASIA WITHOUT HYPOTRICHOSIS OR IMMUNODEFICIENCY; Metaphyseal Dysplasia without Hypotrichosis (MDWH). Identifiers: MedGen C1834821, MONDO:0009601, OMIM 250460.

Allele frequency attached by ClinVar (database versions not stated): gnomAD 0.00001; TOPMed 0.00001; gnomAD exomes 0.00005; ExAC 0.00019.
gnomAD v4.1: 25 of 700,330 alleles (0.0036%); highest among the groups gnomAD compares: Non-Finnish European, 0.0052%; no homozygotes.

Submissions (7):

ClinGen Severe Combined Immunodeficiency Variant Curation Expert Panel, ClinGen
Classification: Likely pathogenic for Metaphyseal chondrodysplasia, McKusick type. Last evaluated: 2025-10-01. Review status: reviewed by expert panel. Criteria: ClinGen SCID ACMG Specifications RMRP V1.2.0. Collection method: curation. Allele origin: germline. Inheritance: Autosomal recessive inheritance.
Comment: This variant NC_000009.12:g.35657825C>T, also known as NR_003051.4(RMRP):n.195G>A or NR_003051.3, g.193G>A, is at a Grpmax Filtering allele frequency of 0.00003391, which is lower than the ClinGen SCID VCEP specified PM2_Supporting threshold (<0.0000447). Therefore, PM2_supporting is met. At least one patient carrying the allele 193G>A presented Methaphyseal dysplasia (+1.0 points), hypotrichosis (+0.5 points) and T cell lymphopenia (+0.5 points) reaching a total of 2.0 points therefore PP4_Moderate is met (PMID: 18804272). This variant is in trans with variant dupTCTGTGAAGCTGAGGAC at -3 (+0.25 points), g.242A>G (+1.0 points), g. 25_ 5dupACTACTCTGT GAAGCTGAGGA (+0.25 points), 242A>G (+1.0 points), reaching a total of 2.5 points, and therefore PM3_Strong is met (PMID: 18804272, 16244706, 11207361). In summary, this variant is classified as Likely Pathogenic for Autosomal recessive Cartilage Hair Hypoplasia based on the ACMG/AMP criteria applied, as specified by the ClinGen SCID VCEP: PM3_Strong, PP4_Moderate, PM2_Supporting (VCEP specifications version 1). NR_003051.3 is the historic transcript with the first nucleotide of the transcribed non-coding RNA that differs from the current MANE transcript, namely NR_003051.4. In this curation, NR_003051.3 was used in the following PMID(s): 18804272, 16244706, 11207361.

Labcorp Genetics (formerly Invitae), Labcorp
Classification: Likely pathogenic for Anauxetic dysplasia. Last evaluated: 2025-12-23. Review status: criteria provided, single submitter. Criteria: Invitae Variant Classification Sherloc (09022015). Collection method: clinical testing. Allele origin: germline. Not counted in ClinVar's aggregate classification.
Comment: This variant occurs in the RMRP gene, which encodes an RNA molecule that does not result in a protein product. This variant is present in population databases (rs761398394, gnomAD 0.008%). This variant has been observed in individual(s) with clinical features consistent with cartilage-hair hypoplasia (PMID: 11207361; internal data). In at least one individual the data is consistent with being in trans (on the opposite chromosome) from a pathogenic variant. ClinVar contains an entry for this variant (Variation ID: 928882). Experimental studies and prediction algorithms are not available or were not evaluated, and the functional significance of this variant is currently unknown. In summary, the currently available evidence indicates that the variant is pathogenic, but additional data are needed to prove that conclusively. Therefore, this variant has been classified as Likely Pathogenic.

Natera, Inc.
Classification: Likely pathogenic for Cartilage-hair hypoplasia. Last evaluated: 2024-09-03. Review status: criteria provided, single submitter. Criteria: Natera Variant Classification Schema (03/2026). Collection method: clinical testing. Allele origin: germline. Not counted in ClinVar's aggregate classification.
Comment: The n.194G>A variant in RMRP is characterized as a single nucleotide variant (SNV). This variant is rare in the general population with a frequency below the threshold expected for the associated phenotype(s). This variant has been observed in one or more individuals affected with the associated recessive disease, as either homozygous or compound heterozygous with a second variant (PMID: 18804272, 11207361, 32021596). Given the available evidence, this variant is classified as Likely Pathogenic.

Blueprint Genetics
Classification: Likely pathogenic for RMRP-related disorders. Last evaluated: 2024-05-23. Review status: criteria provided, single submitter. Criteria: ACMG Guidelines, 2015. Collection method: clinical testing. Allele origin: germline. Affected: yes. Observed: 5 variant alleles. Not counted in ClinVar's aggregate classification.

Women's Health and Genetics/Laboratory Corporation of America, LabCorp
Classification: Pathogenic for Metaphyseal chondrodysplasia, McKusick type. Last evaluated: 2022-06-20. Review status: criteria provided, single submitter. Criteria: LabCorp Variant Classification Summary - May 2015. Collection method: clinical testing. Allele origin: germline. Not counted in ClinVar's aggregate classification.
Comment: Variant summary: RMRP n.194G>A alters a conserved nucleotide in a non-coding RNA gene. The variant allele was found at a frequency of 4.6e-05 in 130340 control chromosomes (gnomAD). This frequency is not higher than the estimated maximum expected for a pathogenic variant in RMRP causing Cartilage-Hair Hypoplasia (7.20e-03). The variant, n.194G>A (also known as n.193G>A), has been reported in the literature in multiple compound heterozygous individuals affected with Cartilage-Hair Hypoplasia (Ridanpaa_2002, Bonafe_2005, Kavadas_2008, Gomes_2020). These data indicate that the variant is very likely to be associated with disease. To our knowledge, no experimental evidence demonstrating an impact on protein function has been reported. Another clinical diagnostic laboratory has submitted clinical-significance assessments for this variant to ClinVar after 2014 without evidence for independent evaluation, and classified the variant as likely pathogenic. Based on the evidence outlined above, the variant was classified as pathogenic.

Fulgent Genetics
Classification: Likely pathogenic for Metaphyseal chondrodysplasia, McKusick type; Metaphyseal dysplasia without hypotrichosis; Anauxetic dysplasia 1. Last evaluated: 2022-05-16. Review status: criteria provided, single submitter. Criteria: ACMG Guidelines, 2015. Collection method: clinical testing. Allele origin: unknown. Not counted in ClinVar's aggregate classification.

OMIM
Classification: Pathogenic for CARTILAGE-HAIR HYPOPLASIA. Last evaluated: 2001-01-26. Review status: no assertion criteria provided. Collection method: literature only. Allele origin: germline. Not counted in ClinVar's aggregate classification.

Literature cited by the submitters: PubMed 11207361 (cited by 4 submitters); PubMed 18804272 (cited by Natera, Inc. and Women's Health and Genetics/Laboratory Corporation of America, LabCorp); PubMed 32021596 (cited by Natera, Inc. and Women's Health and Genetics/Laboratory Corporation of America, LabCorp); PubMed 16244706 (cited by Women's Health and Genetics/Laboratory Corporation of America, LabCorp); PubMed 17701897 (cited by Women's Health and Genetics/Laboratory Corporation of America, LabCorp); PubMed 12107819 (cited by Women's Health and Genetics/Laboratory Corporation of America, LabCorp); PubMed 21956908 (cited by Women's Health and Genetics/Laboratory Corporation of America, LabCorp); PubMed 21396580 (cited by Women's Health and Genetics/Laboratory Corporation of America, LabCorp).